The following is an entry in ClinVar:

ClinVar aggregate classification (germline): Likely benign. Review status: criteria provided, multiple submitters, no conflicts (2 of 4 stars). 3 submissions from 3 submitters: Likely benign (3). Last evaluated 2024-04-01.

Conditions:
Oto-palato-digital syndrome, type II (OPD2). Also called: Otopalatodigital Syndrome Type 2 (FLNA-OPD2); Otopalatodigital Syndrome, Type II; FACIOPALATOOSSEOUS SYNDROME; OPD II SYNDROME. Identifiers: Orphanet 669, Orphanet 90652, MedGen C1844696, MONDO:0010571, OMIM 304120.
Melnick-Needles syndrome (MNS). Also called: Melnick-Needles Syndrome (FLNA-MNS); MELNICK-NEEDLES OSTEODYSPLASTY; OSTEODYSPLASTY OF MELNICK AND NEEDLES. Identifiers: Orphanet 2484, MedGen C0025237, MONDO:0010650, OMIM 309350.
Frontometaphyseal dysplasia (FMD1). Identifiers: Orphanet 1826, MedGen C0265293, MONDO:0015942.
Heterotopia, periventricular, X-linked dominant (PVNH1). Also called: X-linked periventricular heterotopia; PERIVENTRICULAR NODULAR HETEROTOPIA 1; PERIVENTRICULAR NODULAR HETEROTOPIA 4; HETEROTOPIA, PERIVENTRICULAR, 1. Identifiers: Orphanet 2149, Orphanet 82004, MedGen C1848213, MONDO:0010233, OMIM 300049.
Familial thoracic aortic aneurysm and aortic dissection (TAAD). Also called: Thoracic aortic aneurysms and dissections. Identifiers: Orphanet 91387, MedGen C4707243, MONDO:0019625.

Allele frequency attached by ClinVar (database versions not stated): gnomAD exomes below 0.00001; ExAC 0.00001.
gnomAD v4.1: 7 of 1,211,696 alleles (0.00058%); highest among the groups gnomAD compares: Non-Finnish European, 0.00056%; no homozygotes.

Submissions (3):

CeGaT Center for Human Genetics Tuebingen
Classification: Likely benign. Last evaluated: 2024-04-01. Review status: criteria provided, single submitter. Criteria: CeGaT Center For Human Genetics Tuebingen Variant Classification Criteria Version 2. Collection method: clinical testing. Allele origin: germline. Affected: yes. Observed: 1 variant allele.
Comment: FLNA: BP4

Labcorp Genetics (formerly Invitae), Labcorp
Classification: Likely benign for Oto-palato-digital syndrome, type II; Heterotopia, periventricular, X-linked dominant; Frontometaphyseal dysplasia; Melnick-Needles syndrome. Last evaluated: 2023-03-12. Review status: criteria provided, single submitter. Criteria: Invitae Variant Classification Sherloc (09022015). Collection method: clinical testing. Allele origin: germline.

Ambry Genetics
Classification: Likely benign for Familial thoracic aortic aneurysm and aortic dissection. Last evaluated: 2018-12-03. Review status: criteria provided, single submitter. Criteria: Ambry Variant Classification Scheme 2023. Collection method: clinical testing. Allele origin: germline.

NM_001110556.2(FLNA):c.6036G>A (p.Val2012=)

Gene: FLNA (filamin A; minus strand). Cytogenetic location: Xq28.
Variant type: single nucleotide variant.
Coding change: c.6036G>A on transcript NM_001110556.2 (MANE Select); coding-DNA position 6036, G replaced by A.
Protein change: p.Val2012=; no amino-acid change (valine 2012 retained).
Molecular consequence: synonymous variant.
Genome position (GRCh38, 1-based): chrX:154,353,191, C>T on the plus strand (G>A on the coding strand, the complement: FLNA is on the minus strand). VCF-style: chrX-154353191-C-T. GRCh37 (hg19) VCF-style: chrX-153581559-C-T.
Other names: c.6012G>A, p.Val2004= (NM_001456.4).
Identifiers: ClinVar variation 1751082 (VCV001751082.27), dbSNP rs782064838, ClinGen allele CA10560172.
Genomic context (GRCh38, chrX:154,353,191, plus strand): 5'-GCTGGCCACGTGCTGGCCATTTTTCTTCACATGCACCAGGTGCTCCCCCGTCTCCTTGGG[C>T]ACGAATGAAATCCCTGGACACAGGGCATGGCTGTCAGTCAGGGAGGGCATGGCTCCCCAC-3'
Protein context (NP_001104026.1, residues 2002-2022): LRNGHVGISF[Val2012=]PKETGEHLVH